The following is an entry in ClinVar:

ClinVar aggregate classification (germline): Uncertain significance (1 of 4 stars; one submission).

Submission:

GeneDx
Classification: Uncertain significance. Last evaluated: 2025-03-06. Review status: criteria provided, single submitter. Criteria: GeneDx Variant Classification Process June 2021. Collection method: clinical testing. Allele origin: germline. Affected: yes.
Comment: Not observed at significant frequency in large population cohorts (gnomAD); In silico analysis indicates that this missense variant does not alter protein structure/function; Has not been previously published as pathogenic or benign to our knowledge

NM_004380.3(CREBBP):c.859C>G (p.Pro287Ala)

Gene: CREBBP (CREB binding lysine acetyltransferase; minus strand). Cytogenetic location: 16p13.3.
Variant type: single nucleotide variant.
Coding change: c.859C>G on transcript NM_004380.3 (MANE Select); coding-DNA position 859, C replaced by G.
Protein change: p.Pro287Ala; replaces proline 287 with alanine.
Molecular consequence: missense variant.
Genome position (GRCh38, 1-based): chr16:3,810,719, G>C on the plus strand (C>G on the coding strand, the complement: CREBBP is on the minus strand). VCF-style: chr16-3810719-G-C. GRCh37 (hg19) VCF-style: chr16-3860720-G-C.
Other names: c.859C>G, p.Pro287Ala (NM_001079846.1); short protein forms P287A.
Identifiers: ClinVar variation 4082625 (VCV004082625.1).
Genomic context (GRCh38, chr16:3,810,719, plus strand): 5'-AACTGTTGACCATGCTCTGTTTGCTGGCTAACTGGGGGTTCACTCCAGTGGCTCCCATTG[G>C]CTGCCCTCCAGCTTGACTAAAGGGCTGTCCAAATGGACTTGTGTTCCCAGTTATTCCCAT-3'
Protein context (NP_004371.2, residues 277-297): GQPFSQAGGQ[Pro287Ala]MGATGVNPQL